The following is an entry in ClinVar:

ClinVar aggregate classification (germline): Uncertain significance (1 of 4 stars; one submission).

Conditions:
Intellectual developmental disorder, autosomal dominant 6, with or without seizures. Also called: Intellectual disability, autosomal dominant 6; GRIN2B-related developmental delay, intellectual disability and autism spectrum disorder. Identifiers: Orphanet 589547, MedGen C3151411, MONDO:0013509, OMIM 613970.

Submission:

Victorian Clinical Genetics Services, Murdoch Childrens Research Institute
Classification: Uncertain significance for Intellectual developmental disorder, autosomal dominant 6, with or without seizures. Last evaluated: 2023-07-17. Review status: criteria provided, single submitter. Criteria: ACMG Guidelines, 2015. Collection method: clinical testing. Allele origin: germline. Inheritance: Autosomal dominant inheritance. Affected: yes.
Comment: Based on the classification scheme VCGS_Germline_v1.3.4, this variant is classified as VUS-3B. Following criteria are met: 0103 - Loss of function and gain of function are known mechanisms of disease in this gene and are associated with developmental and epileptic encephalopathy 27 (MIM#616139) and intellectual developmental disorder, autosomal dominant 6, with or without seizures (MIM#613970). Protein truncating variants have a loss of function mechanism, whereas missense variants have been proven to have a gain of function mechanism. At present, there is no genotype-phenotype correlation (PMID: 28377535, OMIM). (I) 0107 - This gene is associated with autosomal dominant disease. (I) 0214 - In-frame insertion/deletion fully contained in a non-repetitive region that has high conservation. (SP) 0251 - This variant is heterozygous. (I) 0301 - Variant is absent from gnomAD (both v2 and v3). (SP) 0600 - Variant is located in the annotated ligand-gated ion channel (DECIPHER). (I) 0705 - No comparable inframe variants have previous evidence for pathogenicity. (I) 0807 - This variant has no previous evidence of pathogenicity. (I) 0905 - No published segregation evidence has been identified for this variant. (I) 1007 - No published functional evidence has been identified for this variant. (I) 1208 - Inheritance information for this variant is not currently available in this individual. (I) Legend: (SP) - Supporting pathogenic, (I) - Information, (SB) - Supporting benign

Literature cited by the submitters: PubMed 28377535.

NM_000834.5(GRIN2B):c.1704delinsGATG (p.Ile568delinsMetMet)

Gene: GRIN2B (glutamate ionotropic receptor NMDA type subunit 2B; minus strand). Cytogenetic location: 12p13.1.
Variant type: Indel.
Coding change: c.1704delinsGATG on transcript NM_000834.5 (MANE Select); coding-DNA position 1704, C replaced by GATG.
Protein change: p.Ile568delinsMetMet.
Molecular consequence: inframe indel.
Genome position (GRCh38, 1-based): chr12:13,611,801, G replaced by CATC on the plus strand (C replaced by GATG on the coding strand, the reverse complement: GRIN2B is on the minus strand). VCF-style: chr12-13611801-G-CATC. GRCh37 (hg19) VCF-style: chr12-13764735-G-CATC.
Other names: c.1704delinsGATG, p.Ile568delinsMetMet (NM_001413992.1).
Identifiers: ClinVar variation 3255161 (VCV003255161.1), dbSNP rs2497590458.
Genomic context (GRCh38, chr12:13,611,801, plus strand): 5'-GCACCTGTTATAACCCACAGGGCTGAAGTACTCAAAGACAAAGACAGCCACGGCTGAGAC[G>CATC]ATGAGCAGCATCACAAACATCATCACCCATACGTCAGCGCTGAATGGCTCTGAGGAAGGG-3'